The following is an entry in ClinVar:

NM_022773.4(LMF1):c.410C>T (p.Ser137Leu)

Gene: LMF1 (lipase maturation factor 1; minus strand). Cytogenetic location: 16p13.3.
Variant type: single nucleotide variant.
Coding change: c.410C>T on transcript NM_022773.4 (MANE Select); coding-DNA position 410, C replaced by T.
Protein change: p.Ser137Leu; replaces serine 137 with leucine.
Molecular consequence: missense variant. On other transcripts: 5 prime UTR variant (3), non-coding transcript variant (1).
Genome position (GRCh38, 1-based): chr16:954,450, G>A on the plus strand (C>T on the coding strand, the complement: LMF1 is on the minus strand). VCF-style: chr16-954450-G-A. GRCh37 (hg19) VCF-style: chr16-1004450-G-A.
Other names: c.83C>T, p.Ser28Leu (NM_001352019.2); c.410C>T, p.Ser137Leu (NM_001352020.1); c.-296C>T (NM_001352021.2); c.-394C>T (NM_001352017.2); c.-145C>T (NM_001352018.2); short protein forms S137L, S28L.
Identifiers: ClinVar variation 2910386 (VCV002910386.5), dbSNP rs549008037, ClinGen allele CA7797657.
Genomic context (GRCh38, chr16:954,450, plus strand): 5'-AGGCCCCACAGGGCAGCCATGAGAAGCATGTTGGCGCAGCCCGTGATCAGTACGAAAGAC[G>A]AGATGCCCAGTCCGAGAAGAGCCAGCAAGTCCAGGTTGGAGTTCATGTCTGACCAGTCCA-3'
Protein context (NP_073610.2, residues 127-147): DLLALLGLGI[Ser137Leu]SFVLITGCAN

ClinVar aggregate classification (germline): Likely pathogenic. Review status: criteria provided, multiple submitters, no conflicts (2 of 4 stars). 2 submissions from 2 submitters: Likely pathogenic (2). Last evaluated 2024-01-16.

Conditions:
Lipase deficiency, combined. Also called: LIPOPROTEIN LIPASE DEFICIENCY WITH HEPATIC TRIGLYCERIDE LIPASE DEFICIENCY; LPL AND HL DEFICIENCY; LPL AND HTGL DEFICIENCY. Identifiers: Orphanet 535453, MedGen C1855498, MONDO:0009527, OMIM 246650.

Allele frequency attached by ClinVar (database versions not stated): gnomAD 0.00001; 1000 Genomes Project 30x 0.00016; 1000 Genomes Project 0.00020.
gnomAD v4.1: 35 of 1,612,908 alleles (0.0022%); highest among the groups gnomAD compares: East Asian, 0.0045%; no homozygotes.

Submissions (2):

Labcorp Genetics (formerly Invitae), Labcorp
Classification: Likely pathogenic. Last evaluated: 2024-01-16. Review status: criteria provided, single submitter. Criteria: Invitae Variant Classification Sherloc (09022015). Collection method: clinical testing. Allele origin: germline.
Comment: This sequence change replaces serine, which is neutral and polar, with leucine, which is neutral and non-polar, at codon 137 of the LMF1 protein (p.Ser137Leu). This variant is present in population databases (rs549008037, gnomAD 0.005%). This missense change has been observed in individual(s) with autosomal recessive chylomicronemia and/or dyslipidemia (PMID: 30172716, 32041611). In at least one individual the data is consistent with being in trans (on the opposite chromosome) from a pathogenic variant. It has also been observed to segregate with disease in related individuals. An algorithm developed to predict the effect of missense changes on protein structure and function (PolyPhen-2) suggests that this variant is likely to be disruptive. Experimental studies have shown that this missense change affects LMF1 function (PMID: 30172716). In summary, the currently available evidence indicates that the variant is pathogenic, but additional data are needed to prove that conclusively. Therefore, this variant has been classified as Likely Pathogenic.

Juno Genomics, Hangzhou Juno Genomics, Inc
Classification: Likely pathogenic for Lipase deficiency, combined. Review status: criteria provided, single submitter. Criteria: ACMG Guidelines, 2015. Collection method: clinical testing. Allele origin: germline. Affected: yes.
Comment: Absent from controls (or at extremely low frequency if recessive) in Genome Aggregation Database, Exome Sequencing Project, 1000 Genomes Project, or Exome Aggregation Consortium.;For recessive disorders, detected in trans with a pathogenic variant.;Patient's phenotype or family history is highly specific for a disease with a single genetic etiology.;Co-segregation with disease in multiple affected family members in a gene definitively known to cause the disease.

Literature cited by the submitters: PubMed 30172716 (cited by Labcorp Genetics (formerly Invitae), Labcorp); PubMed 32041611 (cited by Labcorp Genetics (formerly Invitae), Labcorp).